The following is an entry in ClinVar:

ClinVar aggregate classification (germline): Conflicting classifications of pathogenicity. Review status: criteria provided, conflicting classifications (1 of 4 stars). 2 submissions from 2 submitters: Likely pathogenic (1); Uncertain significance (1). Last evaluated 2024-05-18.

Conditions:
Congenital myasthenic syndrome 12 (CMS12). Also called: MYASTHENIC SYNDROME, CONGENITAL, WITH TUBULAR AGGREGATES 1; Myasthenia, congenital, 12, with tubular aggregates. Identifiers: Orphanet 353327, Orphanet 590, MedGen C3552335, MONDO:0012518, OMIM 610542.

gnomAD v4.1: 2 of 1,599,484 alleles (0.00013%); highest among the groups gnomAD compares: South Asian, 0.0011%; no homozygotes.

Submissions (2):

Fulgent Genetics
Classification: Likely pathogenic for Congenital myasthenic syndrome 12. Last evaluated: 2024-05-18. Review status: criteria provided, single submitter. Criteria: ACMG Guidelines, 2015. Collection method: clinical testing. Allele origin: germline.

Women's Health and Genetics/Laboratory Corporation of America, LabCorp
Classification: Uncertain significance. Last evaluated: 2024-05-16. Review status: criteria provided, single submitter. Criteria: LabCorp Variant Classification Summary - May 2015. Collection method: clinical testing. Allele origin: germline.
Comment: Variant summary: GFPT1 c.1072A>G (p.Met358Val) results in a conservative amino acid change in the encoded protein sequence. Four of five in-silico tools predict a damaging effect of the variant on protein function. The variant allele was found at a frequency of 4e-06 in 251244 control chromosomes. The available data on variant occurrences in the general population are insufficient to allow any conclusion about variant significance. c.1072A>G has been reported in the literature in at least one compound heterozygous individual affected with Congenital Muscular Dystrophy (O'Grady_2016). These data do not allow any conclusion about variant significance. To our knowledge, no experimental evidence demonstrating an impact on protein function has been reported. The following publication has been ascertained in the context of this evaluation (PMID: 27159402). No submitters have cited clinical-significance assessments for this variant to ClinVar. Based on the evidence outlined above, the variant was classified as uncertain significance.

Literature cited by the submitters: PubMed 27159402 (cited by Women's Health and Genetics/Laboratory Corporation of America, LabCorp).

NM_001244710.2(GFPT1):c.1072A>G (p.Met358Val)

Gene: GFPT1 (glutamine--fructose-6-phosphate transaminase 1; minus strand). Cytogenetic location: 2p13.3.
Variant type: single nucleotide variant.
Coding change: c.1072A>G on transcript NM_001244710.2 (MANE Select); coding-DNA position 1072, A replaced by G.
Protein change: p.Met358Val; replaces methionine 358 with valine.
Molecular consequence: missense variant.
Genome position (GRCh38, 1-based): chr2:69,345,937, T>C on the plus strand (A>G on the coding strand, the complement: GFPT1 is on the minus strand). VCF-style: chr2-69345937-T-C. GRCh37 (hg19) VCF-style: chr2-69573069-T-C.
Other names: c.1018A>G, p.Met340Val (NM_002056.4); short protein forms M340V, M358V.
Identifiers: ClinVar variation 3336545 (VCV003336545.2).
Genomic context (GRCh38, chr2:69,345,937, plus strand): 5'-ATAATAAAATAATTCATATGTAATTACCAGTATAGTCATCAAAGTTGACTCTTCCTCTCA[T>C]TGTGTTCACGACAGACTCTGGCTGCTCAAATATTTCCTTCTGCATAAATGAACTGAAGTT-3'
Protein context (NP_001231639.1, residues 348-368): FEQPESVVNT[Met358Val]RGRVNFDDYT